The following is an entry in ClinVar:

NM_001042492.3(NF1):c.4942A>G (p.Thr1648Ala)

Gene: NF1 (neurofibromin 1; plus strand). Cytogenetic location: 17q11.2.
Variant type: single nucleotide variant.
Coding change: c.4942A>G on transcript NM_001042492.3 (MANE Select); coding-DNA position 4942, A replaced by G.
Protein change: p.Thr1648Ala; replaces threonine 1648 with alanine.
Molecular consequence: missense variant.
Genome position (GRCh38, 1-based): chr17:31,325,926, A>G. VCF-style: chr17-31325926-A-G. GRCh37 (hg19) VCF-style: chr17-29652944-A-G.
Other names: c.4879A>G, p.Thr1627Ala (NM_000267.4); short protein forms T1627A, T1648A.
Identifiers: ClinVar variation 231988 (VCV000231988.20), dbSNP rs770558820, ClinGen allele CA8487119.

ClinVar aggregate classification (germline): Conflicting classifications of pathogenicity. Review status: criteria provided, conflicting classifications (1 of 4 stars). 7 submissions from 6 submitters: Uncertain significance (3); Likely benign (4). Last evaluated 2026-05-13.

Conditions:
Cardiovascular phenotype. Identifiers: MedGen CN230736.
Hereditary cancer-predisposing syndrome. Also called: Hereditary neoplastic syndrome; Neoplastic Syndromes, Hereditary; Hereditary Cancer Syndrome; Tumor predisposition. Identifiers: Orphanet 140162, MedGen C0027672, MeSH D009386, MONDO:0015356.
Hereditary breast ovarian cancer syndrome. Also called: Hereditary breast and ovarian cancer; Hereditary breast and/or ovarian cancer syndrome; BRCA1- and BRCA2-Associated Hereditary Breast and Ovarian Cancer; Hereditary breast and ovarian cancer syndrome; Hereditary breast and ovarian cancer syndrome (HBOC); Breast and ovarian cancer. Identifiers: Orphanet 145, MedGen C0677776, MeSH D061325, MONDO:0003582. Disease mechanism: loss of function.
Neurofibromatosis, type 1 (NF1). Also called: NEUROFIBROMATOSIS, TYPE I, SOMATIC; Neurofibromatosis, type I; VON RECKLINGHAUSEN DISEASE; Peripheral type neurofibromatosis. Identifiers: Orphanet 636, MedGen C0027831, MONDO:0018975, OMIM 162200. Disease mechanism: loss of function.

Allele frequency attached by ClinVar (database versions not stated): TOPMed 0.00001; gnomAD exomes 0.00003; ExAC 0.00002; gnomAD 0.00001.
gnomAD v4.1: 50 of 1,614,066 alleles (0.0031%); highest among the groups gnomAD compares: East Asian, 0.11%; no homozygotes.

Submissions (7):

Myriad Genetics, Inc.
Classification: Likely benign for Neurofibromatosis, type 1. Last evaluated: 2026-05-13. Review status: criteria provided, single submitter. Criteria: Myriad Autosomal Dominant, Autosomal Recessive and X-Linked Classification Criteria (2023). Collection method: clinical testing. Allele origin: unknown.
Comment: This variant is considered likely benign. This variant has been observed at a population frequency that is significantly greater than expected given the associated disease prevalence and penetrance.

Labcorp Genetics (formerly Invitae), Labcorp
Classification: Likely benign for Neurofibromatosis, type 1. Last evaluated: 2025-12-19. Review status: criteria provided, single submitter. Criteria: Invitae Variant Classification Sherloc (09022015). Collection method: clinical testing. Allele origin: germline.

Sema4
Classification: Uncertain significance for Hereditary cancer-predisposing syndrome. Last evaluated: 2021-10-20. Review status: criteria provided, single submitter. Criteria: Sema4 Curation Guidelines. Collection method: curation. Allele origin: germline.
Comment: The NF1 c.4879A>G (p.T1627A) variant has been reported in heterozygosity in multiple individuals with breast cancer, but was also found in healthy individuals in these same studies (PMID: 33471991, 30287823, 23913538). It was observed in 7/18394 chromosomes of the East Asian subpopulation in the large and broad cohorts of the Genome Aggregation Database (PMID: 32461654). The variant has been reported in ClinVar (Variation ID 231988). Functional studies have not been performed, and in silico predictions of the variant's effect on protein function are inconclusive. There is no indication that this variant causes disease, but the evidence is insufficient currently to prove that conclusively. Thus, the clinical significance of this variant is currently uncertain.

Ambry Genetics
Classification: Likely benign for Cardiovascular phenotype; Hereditary cancer-predisposing syndrome. Last evaluated: 2020-06-17. Review status: criteria provided, single submitter. Criteria: Ambry Variant Classification Scheme 2023. Collection method: clinical testing. Allele origin: germline.

GeneDx
Classification: Likely benign. Last evaluated: 2019-09-19. Review status: criteria provided, single submitter. Criteria: GeneDx Variant Classification Process June 2021. Collection method: clinical testing. Allele origin: germline. Affected: yes.
Comment: In silico analysis, which includes protein predictors and evolutionary conservation, supports that this variant does not alter protein structure/function; Has not been previously published as pathogenic or benign to our knowledge; This variant is associated with the following publications: (PMID: 23913538)

Cancer Genomics Group, Japanese Foundation For Cancer Research
Classification: Uncertain significance for Hereditary breast and ovarian cancer syndrome. Last evaluated: 2019-05-01. Review status: criteria provided, single submitter. Criteria: ACMG Guidelines, 2015. Collection method: research. Allele origin: germline. Affected: yes.

Ambry Genetics
Classification: Uncertain significance for Hereditary cancer-predisposing syndrome. Last evaluated: 2016-03-04. Review status: criteria provided, single submitter. Criteria: Ambry Autosomal Dominant and X-Linked criteria (10/2015). Collection method: clinical testing. Allele origin: germline. Observed: 1 variant allele.
Comment: The p.T1648A variant (also known as c.4942A>G), located in coding exon 37 of the NF1 gene, results from an A to G substitution at nucleotide position 4942. The threonine at codon 1648 is replaced by alanine, an amino acid with similar properties. This variant was not reported in population based cohorts in the following databases: Database of Single Nucleotide Polymorphisms (dbSNP), NHLBI Exome Sequencing Project (ESP), and 1000 Genomes Project. In the ESP, this variant was not observed in 6503 samples (13006 alleles) with coverage at this position. To date, this alteration has been detected with an allele frequency of approximately 0.003% (greater than 110000 alleles tested) in our clinical cohort.This amino acid position is not well conserved in available vertebrate species. In addition, this alteration is predicted to be tolerated by in silico analysis.Since supporting evidence for this variant is limited at this time, the clinical significance ofp.T1648A remains unclear.

Literature cited by the submitters: PubMed 33471991 (cited by Sema4); PubMed 30287823 (cited by Sema4); PubMed 23913538 (cited by Sema4).